The following is an entry in ClinVar:

NM_001039469.3(MARK2):c.2081G>T (p.Arg694Leu)

Gene: MARK2 (microtubule affinity regulating kinase 2; plus strand). Cytogenetic location: 11q13.1.
Variant type: single nucleotide variant.
Coding change: c.2081G>T on transcript NM_001039469.3 (MANE Select); coding-DNA position 2081, G replaced by T.
Protein change: p.Arg694Leu; replaces arginine 694 with leucine.
Molecular consequence: missense variant.
Genome position (GRCh38, 1-based): chr11:63,908,951, G>T. VCF-style: chr11-63908951-G-T. GRCh37 (hg19) VCF-style: chr11-63676423-G-T.
Other names: c.1874G>T, p.Arg625Leu (NM_001163296.2); c.1844G>T, p.Arg615Leu (NM_001163297.2); c.1889G>T, p.Arg630Leu (NM_004954.5); c.1952G>T, p.Arg651Leu (NM_017490.4); short protein forms R615L, R625L, R630L, R651L, R694L.
Identifiers: ClinVar variation 3378105 (VCV003378105.1).
Genomic context (GRCh38, chr11:63,908,951, plus strand): 5'-GCAGTGGCGGCAACGACAAAGAAAAGGAAGAATTTCGGGAGGCCAAGCCCCGCTCCCTCC[G>T]CTTCACGTGGAGTATGAAGACCACGAGCTCCATGGAGCCCAACGAGATGATGCGGGAGAT-3'
Protein context (NP_001034558.2, residues 684-704): EFREAKPRSL[Arg694Leu]FTWSMKTTSS

ClinVar aggregate classification (germline): Uncertain significance (1 of 4 stars; one submission).

Submission:

GeneDx
Classification: Uncertain significance. Last evaluated: 2024-01-24. Review status: criteria provided, single submitter. Criteria: GeneDx Variant Classification Process June 2021. Collection method: clinical testing. Allele origin: germline. Affected: yes.
Comment: Not observed at significant frequency in large population cohorts (gnomAD); In silico analysis supports that this missense variant has a deleterious effect on protein structure/function; Has not been previously published as pathogenic or benign to our knowledge; Variants in candidate genes are classified as variants of uncertain significance in accordance with ACMG guidelines (PMID: 25741868)